The following is an entry in ClinVar:

ClinVar aggregate classification (germline): Uncertain significance (1 of 4 stars; one submission).

Conditions:
Mevalonic aciduria (MEVA). Identifiers: Orphanet 29, MedGen C1959626, MONDO:0012481, OMIM 610377.
Porokeratosis 3, disseminated superficial actinic type (POROK3). Also called: POROKERATOSIS, DISSEMINATED SUPERFICIAL ACTINIC, 1; POROKERATOSIS 3, MIBELLI TYPE; POROKERATOSIS 3, MULTIPLE TYPES. Identifiers: MedGen C1867981, MONDO:0008293, OMIM 175900.
Hyperimmunoglobulin D with periodic fever (HIDS). Also called: HYPERIMMUNOGLOBULINEMIA D AND PERIODIC FEVER SYNDROME; Hyperimmunoglobulinemia D; Hyperimmunoglobulinemia D with periodic fever. Identifiers: Orphanet 343, MedGen C0398691, MONDO:0009849, OMIM 260920.

Submission:

Labcorp Genetics (formerly Invitae), Labcorp
Classification: Uncertain significance for Mevalonic aciduria; Hyperimmunoglobulin D with periodic fever; Porokeratosis 3, disseminated superficial actinic type. Last evaluated: 2025-02-27. Review status: criteria provided, single submitter. Criteria: Invitae Variant Classification Sherloc (09022015). Collection method: clinical testing. Allele origin: germline.
Comment: This sequence change replaces serine, which is neutral and polar, with isoleucine, which is neutral and non-polar, at codon 128 of the MVK protein (p.Ser128Ile). This variant is not present in population databases (gnomAD no frequency). This variant has not been reported in the literature in individuals affected with MVK-related conditions. Invitae Evidence Modeling of protein sequence and biophysical properties (such as structural, functional, and spatial information, amino acid conservation, physicochemical variation, residue mobility, and thermodynamic stability) indicates that this missense variant is expected to disrupt MVK protein function with a positive predictive value of 95%. In summary, the available evidence is currently insufficient to determine the role of this variant in disease. Therefore, it has been classified as a Variant of Uncertain Significance.

NM_000431.4(MVK):c.383G>T (p.Ser128Ile)

Gene: MVK (mevalonate kinase; plus strand). Cytogenetic location: 12q24.11.
Variant type: single nucleotide variant.
Coding change: c.383G>T on transcript NM_000431.4 (MANE Select); coding-DNA position 383, G replaced by T.
Protein change: p.Ser128Ile; replaces serine 128 with isoleucine.
Molecular consequence: missense variant. On other transcripts: 5 prime UTR variant (1), non-coding transcript variant (3), intron variant (2).
Genome position (GRCh38, 1-based): chr12:109,581,406, G>T. VCF-style: chr12-109581406-G-T. GRCh37 (hg19) VCF-style: chr12-110019211-G-T.
Other names: c.383G>T, p.Ser128Ile (NM_001114185.3, NM_001414511.1, NM_001414512.1 and 1 more transcripts); c.-200G>T (NM_001414515.1); c.371+1460G>T (NM_001414514.1, NM_001301182.2); short protein forms S128I.
Identifiers: ClinVar variation 4783712 (VCV004783712.1).
Genomic context (GRCh38, chr12:109,581,406, plus strand): 5'-CCCCACTGCCCTGCGGGAGAGTCACGTTTCACACCCTGGTGTGTTTCAGGGCCCTGCCGA[G>T]CCTGGATATCGTAGTGTGGTCGGAGCTGCCCCCCGGGGCGGGCTTGGGCTCCAGCGCCGC-3'
Protein context (NP_000422.1, residues 118-138): SICRKQRALP[Ser128Ile]LDIVVWSELP